The following is an entry in ClinVar:

NM_000059.4(BRCA2):c.122C>A (p.Pro41His)

Gene: BRCA2 (BRCA2 DNA repair associated; plus strand). Cytogenetic location: 13q13.1.
Variant type: single nucleotide variant.
Coding change: c.122C>A on transcript NM_000059.4 (MANE Select); coding-DNA position 122, C replaced by A.
Protein change: p.Pro41His; replaces proline 41 with histidine.
Molecular consequence: missense variant. On other transcripts: 5 prime UTR variant (1), non-coding transcript variant (1).
Genome position (GRCh38, 1-based): chr13:32,319,131, C>A. VCF-style: chr13-32319131-C-A. GRCh37 (hg19) VCF-style: chr13-32893268-C-A.
Other names: c.122C>A, p.Pro41His (NM_001406719.1, NM_001406720.1, NM_001406721.1); c.-248C>A (NM_001406722.1); short protein forms P41H.
Identifiers: ClinVar variation 2468468 (VCV002468468.2), dbSNP rs786201716, ClinGen allele CA387754224.
Genomic context (GRCh38, chr13:32,319,131, plus strand): 5'-AAATAGATTTAGGACCAATAAGTCTTAATTGGTTTGAAGAACTTTCTTCAGAAGCTCCAC[C>A]CTATAATTCTGAACCTGCAGAAGAATCTGAACATAAAAACAACAATTACGAACCAAACCT-3'
Protein context (NP_000050.3, residues 31-51): WFEELSSEAP[Pro41His]YNSEPAEESE

ClinVar aggregate classification (germline): Uncertain significance (1 of 4 stars; one submission).

Conditions:
Hereditary cancer-predisposing syndrome. Also called: Neoplastic Syndromes, Hereditary; Hereditary neoplastic syndrome; Tumor predisposition; Hereditary Cancer Syndrome. Identifiers: Orphanet 140162, MedGen C0027672, MeSH D009386, MONDO:0015356.

Submission:

Ambry Genetics
Classification: Uncertain significance for Hereditary cancer-predisposing syndrome. Last evaluated: 2022-12-30. Review status: criteria provided, single submitter. Criteria: Ambry Variant Classification Scheme 2023. Collection method: clinical testing. Allele origin: germline.
Comment: The p.P41H variant (also known as c.122C>A), located in coding exon 2 of the BRCA2 gene, results from a C to A substitution at nucleotide position 122. The proline at codon 41 is replaced by histidine, an amino acid with similar properties. This amino acid position is well conserved in available vertebrate species. In addition, this alteration is predicted to be tolerated by in silico analysis. Since supporting evidence is limited at this time, the clinical significance of this alteration remains unclear.